The following is an entry in ClinVar:

NM_003907.3(EIF2B5):c.44G>T (p.Arg15Leu)

Gene: EIF2B5 (eukaryotic translation initiation factor 2B subunit epsilon; plus strand). Cytogenetic location: 3q27.1.
Variant type: single nucleotide variant.
Coding change: c.44G>T on transcript NM_003907.3 (MANE Select); coding-DNA position 44, G replaced by T.
Protein change: p.Arg15Leu; replaces arginine 15 with leucine.
Molecular consequence: missense variant.
Genome position (GRCh38, 1-based): chr3:184,135,429, G>T. VCF-style: chr3-184135429-G-T. GRCh37 (hg19) VCF-style: chr3-183853217-G-T.
Other names: c.44G>T (NM_003907.2); short protein forms R15L.
Identifiers: ClinVar variation 2140378 (VCV002140378.2), dbSNP rs560224651, ClinGen allele CA2726305.

ClinVar aggregate classification (germline): Uncertain significance. Review status: criteria provided, multiple submitters, no conflicts (2 of 4 stars). 2 submissions from 2 submitters: Uncertain significance (2). Last evaluated 2024-03-16.

Conditions:
Inborn genetic diseases. Identifiers: MedGen C0950123, MeSH D030342.

Allele frequency attached by ClinVar (database versions not stated): gnomAD 0.00001; 1000 Genomes Project 30x 0.00016; 1000 Genomes Project 0.00020; ExAC 0.00035.

Submissions (2):

Ambry Genetics
Classification: Uncertain significance for Inborn genetic diseases. Last evaluated: 2024-03-16. Review status: criteria provided, single submitter. Criteria: Ambry Variant Classification Scheme 2023. Collection method: clinical testing. Allele origin: germline.

Labcorp Genetics (formerly Invitae), Labcorp
Classification: Uncertain significance. Last evaluated: 2021-08-05. Review status: criteria provided, single submitter. Criteria: Invitae Variant Classification Sherloc (09022015). Collection method: clinical testing. Allele origin: germline.
Comment: This sequence change replaces arginine with leucine at codon 15 of the EIF2B5 protein (p.Arg15Leu). The arginine residue is moderately conserved and there is a moderate physicochemical difference between arginine and leucine. This variant is present in population databases (rs560224651, ExAC 0.1%). This variant has not been reported in the literature in individuals with EIF2B5-related conditions. Algorithms developed to predict the effect of missense changes on protein structure and function are either unavailable or do not agree on the potential impact of this missense change (SIFT: "Deleterious"; PolyPhen-2: "Unavailable"; Align-GVGD: "Class C0"). In summary, the available evidence is currently insufficient to determine the role of this variant in disease. Therefore, it has been classified as a Variant of Uncertain Significance.